The following is an entry in ClinVar:

NM_007294.4(BRCA1):c.2534T>G (p.Ile845Arg)

Gene: BRCA1 (BRCA1 DNA repair associated; minus strand). Cytogenetic location: 17q21.31.
Variant type: single nucleotide variant.
Coding change: c.2534T>G on transcript NM_007294.4 (MANE Select); coding-DNA position 2534, T replaced by G.
Protein change: p.Ile845Arg; replaces isoleucine 845 with arginine.
Molecular consequence: missense variant. On other transcripts: intron variant (137).
Genome position (GRCh38, 1-based): chr17:43,092,997, A>C on the plus strand (T>G on the coding strand, the complement: BRCA1 is on the minus strand). VCF-style: chr17-43092997-A-C. GRCh37 (hg19) VCF-style: chr17-41245014-A-C.
Other names: c.2390T>G, p.Ile797Arg (NM_001407841.1, NM_001407845.1, NM_001407846.1 and 20 more transcripts); c.778+1747T>G (NM_001408408.1); c.661+1747T>G (NM_001408435.1, NM_001408446.1, NM_001408448.1 and 6 more transcripts); c.784+1747T>G (NM_001408396.1, NM_001408401.1, NM_001407985.1 and 13 more transcripts); c.2201T>G, p.Ile734Arg (NM_001407947.1, NM_001407948.1, NM_001407949.1 and 6 more transcripts); c.2198T>G, p.Ile733Arg (NM_001407954.1, NM_001407955.1, NM_001407956.1 and 1 more transcripts); c.2153T>G, p.Ile718Arg (NM_001407959.1, NM_001407960.1, NM_001407963.1); c.2150T>G, p.Ile717Arg (NM_001407962.1); and 41 more; short protein forms I549R, I677R, I717R, I718R, I733R, I734R, I756R, I757R.
Identifiers: ClinVar variation 3226120 (VCV003226120.1), dbSNP rs397508976, ClinGen allele CA10596929.

ClinVar aggregate classification (germline): Uncertain significance (1 of 4 stars; one submission).

Conditions:
Hereditary cancer-predisposing syndrome. Also called: Neoplastic Syndromes, Hereditary; Tumor predisposition; Hereditary neoplastic syndrome; Hereditary Cancer Syndrome. Identifiers: Orphanet 140162, MedGen C0027672, MeSH D009386, MONDO:0015356.

Submission:

Ambry Genetics
Classification: Uncertain significance for Hereditary cancer-predisposing syndrome. Last evaluated: 2023-09-28. Review status: criteria provided, single submitter. Criteria: Ambry Variant Classification Scheme 2023. Collection method: clinical testing. Allele origin: germline.
Comment: The p.I845R variant (also known as c.2534T>G), located in coding exon 9 of the BRCA1 gene, results from a T to G substitution at nucleotide position 2534. The isoleucine at codon 845 is replaced by arginine, an amino acid with similar properties. This amino acid position is conserved. In addition, the in silico prediction for this alteration is inconclusive. Since supporting evidence is limited at this time, the clinical significance of this alteration remains unclear.